The following is an entry in ClinVar:

ClinVar aggregate classification (germline): Uncertain significance (1 of 4 stars; one submission).

Submission:

Ambry Genetics
Classification: Uncertain significance. Last evaluated: 2024-04-12. Review status: criteria provided, single submitter. Criteria: Ambry Variant Classification Scheme 2023. Collection method: clinical testing. Allele origin: germline.
Comment: The p.L407F variant (also known as c.1219C>T), located in coding exon 7 of the MYLK2 gene, results from a C to T substitution at nucleotide position 1219. The leucine at codon 407 is replaced by phenylalanine, an amino acid with highly similar properties. This amino acid position is conserved. In addition, the in silico prediction for this alteration is inconclusive. Based on the available evidence, the clinical significance of this variant remains unclear.

NM_033118.4(MYLK2):c.1219C>T (p.Leu407Phe)

Gene: MYLK2 (myosin light chain kinase 2; plus strand). Cytogenetic location: 20q11.21.
Variant type: single nucleotide variant.
Coding change: c.1219C>T on transcript NM_033118.4 (MANE Select); coding-DNA position 1219, C replaced by T.
Protein change: p.Leu407Phe; replaces leucine 407 with phenylalanine.
Molecular consequence: missense variant.
Genome position (GRCh38, 1-based): chr20:31,826,933, C>T. VCF-style: chr20-31826933-C-T. GRCh37 (hg19) VCF-style: chr20-30414736-C-T.
Other names: short protein forms L407F.
Identifiers: ClinVar variation 3297631 (VCV003297631.1).